The following is an entry in ClinVar:

ClinVar aggregate classification (germline): Likely pathogenic (1 of 4 stars; one submission).

Conditions:
Focal segmental glomerulosclerosis 2 (FSGS2). Identifiers: Orphanet 656, MedGen C1858915, MONDO:0011390, OMIM 603965.

Submission:

Molecular Lab, University of Sulaimaniyah
Classification: Likely pathogenic for Focal segmental glomerulosclerosis 2. Last evaluated: 2026-04-06. Review status: criteria provided, single submitter. Criteria: ACMG Guidelines, 2015. Collection method: research. Allele origin: germline. Inheritance: Autosomal dominant inheritance. Affected: yes. Observed: 1 variant allele, 1 homozygote.
Comment: This variant was classified using the ACMG/AMP 2015 framework (PMID:25741868). PVS1 was applied because TRPC6 c.1841delT is predicted to cause a frameshift and premature termination. PM2 was considered because the variant is absent or rare in population databases. PP4 was used as supporting case-level evidence because the variant was observed in an affected individual from a biopsy-proven focal segmental glomerulosclerosis cohort. As internal case-level support, the variant was observed in 1 affected individual(s) among 35 individuals tested, including 1 single heterozygote. No functional assay evidence is submitted. Overall, the submitted evidence supported a Likely pathogenic classification.

NM_004621.6(TRPC6):c.1841del (p.Leu614fs)

Gene: TRPC6 (transient receptor potential cation channel subfamily C member 6; minus strand). Cytogenetic location: 11q22.1.
Variant type: Deletion.
Coding change: c.1841del on transcript NM_004621.6 (MANE Select); coding-DNA position 1841, one base deleted (T; older notation c.1841delT).
Protein change: p.Leu614fs; shifts the reading frame from leucine 614.
Molecular consequence: frameshift variant.
Genome position (GRCh38, 1-based): chr11:101,473,677, A deleted on the plus strand (T on the coding strand, the reverse complement: TRPC6 is on the minus strand); the first of 4 consecutive A bases (chr11:101,473,677-101,473,680); deleting any one gives the same sequence. VCF-style (leftmost placement, unchanged base first): chr11-101473676-TA-T. GRCh37 (hg19) VCF-style: chr11-101344407-TA-T.
Other names: c.1493del, p.Leu498fs (NM_001439335.1); c.1841delT (NM_004621.6); short protein forms L498fs, L614fs.
Identifiers: ClinVar variation 4856421 (VCV004856421.1).